The following is an entry in ClinVar:

NM_001009999.3(KDM1A):c.314C>G (p.Pro105Arg)

Gene: KDM1A (lysine demethylase 1A; plus strand). Cytogenetic location: 1p36.12.
Variant type: single nucleotide variant.
Coding change: c.314C>G on transcript NM_001009999.3 (MANE Select); coding-DNA position 314, C replaced by G.
Protein change: p.Pro105Arg; replaces proline 105 with arginine.
Molecular consequence: missense variant.
Genome position (GRCh38, 1-based): chr1:23,019,910, C>G. VCF-style: chr1-23019910-C-G. GRCh37 (hg19) VCF-style: chr1-23346403-C-G.
Other names: c.314C>G, p.Pro105Arg (NM_001363654.2, NM_001410762.1, NM_001410763.1 and 1 more transcripts); short protein forms P105R.
Identifiers: ClinVar variation 4091062 (VCV004091062.1).

ClinVar aggregate classification (germline): Uncertain significance (1 of 4 stars; one submission).

Conditions:
Inborn genetic diseases. Identifiers: MedGen C0950123, MeSH D030342.

Submission:

Ambry Genetics
Classification: Uncertain significance for Inborn genetic diseases. Last evaluated: 2025-07-14. Review status: criteria provided, single submitter. Criteria: Ambry Variant Classification Scheme 2023. Collection method: clinical testing. Allele origin: germline.
Comment: The p.P105R variant (also known as c.314C>G), located in coding exon 1 of the KDM1A gene, results from a C to G substitution at nucleotide position 314. The proline at codon 105 is replaced by arginine, an amino acid with dissimilar properties. This amino acid position is conserved. In addition, this alteration is predicted to be tolerated by in silico analysis. Based on the available evidence, the clinical significance of this variant remains unclear.